The following is an entry in ClinVar:

ClinVar aggregate classification (germline): Uncertain significance. Review status: criteria provided, multiple submitters, no conflicts (2 of 4 stars). 2 submissions from 2 submitters: Uncertain significance (2). Last evaluated 2025-10-08.

Conditions:
Inborn genetic diseases. Identifiers: MedGen C0950123, MeSH D030342.

Allele frequency attached by ClinVar (database versions not stated): gnomAD exomes below 0.00001; gnomAD 0.00002; TOPMed 0.00003.
gnomAD v4.1: 6 of 1,613,668 alleles (0.00037%); highest among the groups gnomAD compares: African/African-American, 0.0027%; no homozygotes.

Submissions (2):

Labcorp Genetics (formerly Invitae), Labcorp
Classification: Uncertain significance. Last evaluated: 2025-10-08. Review status: criteria provided, single submitter. Criteria: Invitae Variant Classification Sherloc (09022015). Collection method: clinical testing. Allele origin: germline.
Comment: This sequence change replaces alanine, which is neutral and non-polar, with proline, which is neutral and non-polar, at codon 25 of the FBLN5 protein (p.Ala25Pro). This variant is not present in population databases (gnomAD no frequency). This variant has not been reported in the literature in individuals affected with FBLN5-related conditions. ClinVar contains an entry for this variant (Variation ID: 1988857). An algorithm developed to predict the effect of missense changes on protein structure and function (PolyPhen-2) suggests that this variant is likely to be tolerated. In summary, the available evidence is currently insufficient to determine the role of this variant in disease. Therefore, it has been classified as a Variant of Uncertain Significance.

Ambry Genetics
Classification: Uncertain significance for Inborn genetic diseases. Last evaluated: 2025-03-30. Review status: criteria provided, single submitter. Criteria: Ambry Variant Classification Scheme 2023. Collection method: clinical testing. Allele origin: germline.

NM_006329.4(FBLN5):c.73G>C (p.Ala25Pro)

Gene: FBLN5 (fibulin 5; minus strand). Cytogenetic location: 14q32.12.
Variant type: single nucleotide variant.
Coding change: c.73G>C on transcript NM_006329.4 (MANE Select); coding-DNA position 73, G replaced by C.
Protein change: p.Ala25Pro; replaces alanine 25 with proline.
Molecular consequence: missense variant. On other transcripts: 5 prime UTR variant (2).
Genome position (GRCh38, 1-based): chr14:91,940,616, C>G on the plus strand (G>C on the coding strand, the complement: FBLN5 is on the minus strand). VCF-style: chr14-91940616-C-G. GRCh37 (hg19) VCF-style: chr14-92406960-C-G.
Other names: c.73G>C, p.Ala25Pro (NM_001384158.1, NM_001384160.1); c.124G>C, p.Ala42Pro (NM_001384159.1); c.-197G>C (NM_001384161.1, NM_001384162.1); short protein forms A25P, A42P.
Identifiers: ClinVar variation 1988857 (VCV001988857.5), dbSNP rs938916730, ClinGen allele CA265610253.